The following is an entry in ClinVar:

NM_152564.5(VPS13B):c.9601G>T (p.Gly3201Ter)

Gene: VPS13B (vacuolar protein sorting 13 homolog B; plus strand). Cytogenetic location: 8q22.2.
Variant type: single nucleotide variant.
Coding change: c.9601G>T on transcript NM_152564.5 (MANE Select); coding-DNA position 9601, G replaced by T.
Protein change: p.Gly3201Ter; replaces glycine 3201 with a stop codon.
Molecular consequence: nonsense.
Genome position (GRCh38, 1-based): chr8:99,832,639, G>T. VCF-style: chr8-99832639-G-T. GRCh37 (hg19) VCF-style: chr8-100844867-G-T.
Other names: c.9676G>T, p.Gly3226Ter (NM_017890.5); short protein forms G3201*, G3226*.
Identifiers: ClinVar variation 4815985 (VCV004815985.1).

ClinVar aggregate classification (germline): Likely pathogenic (1 of 4 stars; one submission).

Conditions:
Cohen syndrome (COH1). Also called: PEPPER SYNDROME; Cutis verticis gyrata, retinitis pigmentosa, and sensorineural deafness. Identifiers: Orphanet 193, MedGen C0265223, MONDO:0008999, OMIM 216550.

Submission:

Natera, Inc.
Classification: Likely pathogenic for Cohen syndrome. Last evaluated: 2024-11-14. Review status: criteria provided, single submitter. Criteria: Natera Variant Classification Schema (03/2026). Collection method: clinical testing. Allele origin: germline.
Comment: The c.9676G>T variant in VPS13B is a nonsense variant predicted to introduce a stop codon at amino acid 3226. This variant is expected to result in nonsense mediated decay, truncation, or a dysfunctional protein product. This variant is rare in the general population with a frequency below the threshold expected for the associated phenotype(s). Given the available evidence, this variant is classified as Likely Pathogenic.